The following is an entry in ClinVar:

ClinVar aggregate classification (germline): Pathogenic (1 of 4 stars; one submission).

Conditions:
Long QT syndrome (LQTS). Identifiers: MedGen C0023976, MeSH D008133, MONDO:0002442. Disease mechanism: loss of function. Inheritance: Various modes of inheritance.

Submission:

Labcorp Genetics (formerly Invitae), Labcorp
Classification: Pathogenic for Long QT syndrome. Last evaluated: 2023-06-20. Review status: criteria provided, single submitter. Criteria: Invitae Variant Classification Sherloc (09022015). Collection method: clinical testing. Allele origin: unknown.
Comment: This variant is a gross deletion of the genomic region encompassing exon(s) 2-6 of the KCNQ1 gene. This deletion is out-of-frame, and is expected to create a premature termination codon and result in an absent or disrupted protein product. Loss-of-function variants in KCNQ1 are known to be pathogenic (PMID: 9323054, 19862833). This variant has not been reported in the literature in individuals affected with KCNQ1-related conditions. For these reasons, this variant has been classified as Pathogenic.

Literature cited by the submitters: PubMed 9323054; PubMed 19862833.

NC_000011.9:g.(?_2549138)_(2594236_?)del

Gene: KCNQ1 (potassium voltage-gated channel subfamily Q member 1; plus strand). Cytogenetic location: 11p15.5.
Variant type: Deletion.
Identifiers: ClinVar variation 3244542 (VCV003244542.1).